The following is an entry in ClinVar:

NM_007194.4(CHEK2):c.1578_1581del (p.Ala527fs)

Gene: CHEK2 (checkpoint kinase 2; minus strand). Cytogenetic location: 22q12.1.
Variant type: Deletion.
Coding change: c.1578_1581del on transcript NM_007194.4 (MANE Select); coding-DNA positions 1578 to 1581, 4 bases deleted (AGCC; older notation c.1578_1581delAGCC).
Protein change: p.Ala527fs; shifts the reading frame from alanine 527.
Molecular consequence: frameshift variant.
Genome position (GRCh38, 1-based): chr22:28,687,948-28,687,951, GGCT deleted on the plus strand (AGCC on the coding strand, the reverse complement: CHEK2 is on the minus strand). VCF-style (leftmost placement, unchanged base first): chr22-28687947-CGGCT-C. GRCh37 (hg19) VCF-style: chr22-29083935-CGGCT-C.
Other names: c.1707_1710delAGCC, p.Ala570Argfs (NM_001005735.3); c.915_918delAGCC, p.Ala306Argfs (NM_001257387.3); c.1377_1380delAGCC, p.Ala460Argfs (NM_001349956.3); c.1491_1494delAGCC, p.Ala498Argfs (NM_145862.3); short protein forms A570fs, A306fs, A460fs, A498fs, A527fs.
Identifiers: ClinVar variation 2856687 (VCV002856687.3), dbSNP rs2517748322, ClinGen allele CA2739265647.

ClinVar aggregate classification (germline): Uncertain significance (1 of 4 stars; one submission).

Conditions:
Familial cancer of breast. Also called: Hereditary breast cancer; BREAST CANCER, FAMILIAL; hereditary breast carcinoma. Identifiers: Orphanet 227535, MedGen C0346153, MONDO:0016419, OMIM 114480. Disease mechanism: loss of function.

Submission:

Labcorp Genetics (formerly Invitae), Labcorp
Classification: Uncertain significance for Familial cancer of breast. Last evaluated: 2023-04-15. Review status: criteria provided, single submitter. Criteria: Invitae Variant Classification Sherloc (09022015). Collection method: clinical testing. Allele origin: germline.
Comment: This sequence change results in a frameshift in the CHEK2 gene (p.Ala527Argfs*38). While this is not anticipated to result in nonsense mediated decay, it is expected to disrupt the last 17 amino acid(s) of the CHEK2 protein and extend the protein by 20 additional amino acid residues. This variant is not present in population databases (gnomAD no frequency). This variant has not been reported in the literature in individuals affected with CHEK2-related conditions. Experimental studies and prediction algorithms are not available or were not evaluated, and the functional significance of this variant is currently unknown. In summary, the available evidence is currently insufficient to determine the role of this variant in disease. Therefore, it has been classified as a Variant of Uncertain Significance.